The following is an entry in ClinVar:

NM_005228.5(EGFR):c.3286T>C (p.Ser1096Pro)

Gene: EGFR (epidermal growth factor receptor; plus strand). Cytogenetic location: 7p11.2.
Variant type: single nucleotide variant.
Coding change: c.3286T>C on transcript NM_005228.5 (MANE Select); coding-DNA position 3286, T replaced by C.
Protein change: p.Ser1096Pro; replaces serine 1096 with proline.
Molecular consequence: missense variant.
Genome position (GRCh38, 1-based): chr7:55,205,270, T>C. VCF-style: chr7-55205270-T-C. GRCh37 (hg19) VCF-style: chr7-55272963-T-C.
Other names: c.3151T>C, p.Ser1051Pro (NM_001346899.2); c.3127T>C, p.Ser1043Pro (NM_001346900.2); c.2485T>C, p.Ser829Pro (NM_001346941.2); short protein forms S1051P, S1043P, S1096P, S829P.
Identifiers: ClinVar variation 5035777 (VCV005035777.1).
Genomic context (GRCh38, chr7:55,205,270, plus strand): 5'-TGGTGCTTTGCTGATTACTTCACCTCTGATTTCTTTCCACTTTCAGAATACATAAACCAG[T>C]CCGTTCCCAAAAGGCCCGCTGGCTCTGTGCAGAATCCTGTCTATCACAATCAGCCTCTGA-3'
Protein context (NP_005219.2, residues 1086-1106): FLPVPEYINQ[Ser1096Pro]VPKRPAGSVQ

ClinVar aggregate classification (germline): Uncertain significance (1 of 4 stars; one submission).

Conditions:
Hereditary cancer-predisposing syndrome. Also called: Hereditary Cancer Syndrome; Neoplastic Syndromes, Hereditary; Tumor predisposition; Hereditary neoplastic syndrome. Identifiers: Orphanet 140162, MedGen C0027672, MeSH D009386, MONDO:0015356.

Submission:

Ambry Genetics
Classification: Uncertain significance for Hereditary cancer-predisposing syndrome. Last evaluated: 2026-07-07. Review status: criteria provided, single submitter. Criteria: Ambry Variant Classification Scheme 2023. Collection method: clinical testing. Allele origin: germline.
Comment: The p.S1096P variant (also known as c.3286T>C), located in coding exon 28 of the EGFR gene, results from a T to C substitution at nucleotide position 3286. The serine at codon 1096 is replaced by proline, an amino acid with similar properties. This amino acid position is conserved. In addition, this alteration is predicted to be tolerated by in silico analysis. Based on the available evidence, the clinical significance of this variant remains unclear.